The following is an entry in ClinVar:

ClinVar aggregate classification (germline): Benign/Likely benign. Review status: criteria provided, multiple submitters, no conflicts (2 of 4 stars). 4 submissions from 4 submitters: Benign (1); Likely benign (2). 1 of the submissions does not count toward it. Last evaluated 2025-12-13.

Conditions:
Hyperaldosteronism, familial, type IV (HALD4). Also called: FH IV; ALDOSTERONISM, PRIMARY, AND HYPERTENSION. Identifiers: Orphanet 642671, MedGen C4310756, MONDO:0014875, OMIM 617027.
Epilepsy, childhood absence, susceptibility to, 6. Identifiers: Orphanet 64280, MedGen C2749872, MONDO:0012763, OMIM 611942.
CACNA1H-related disorder.
Idiopathic generalized epilepsy. Also called: Generalised epilepsy; EIG. Identifiers: MedGen C0270850, MONDO:0005579, OMIM 600669.

Allele frequency attached by ClinVar (database versions not stated): TOPMed 0.00005; ESP Exome Variant Server 0.00008; gnomAD 0.00009 and 0.00010; gnomAD exomes 0.00018; ExAC 0.00022; 1000 Genomes Project 0.00040; 1000 Genomes Project 30x 0.00047.
gnomAD v4.1: 255 of 1,596,216 alleles (0.016%); highest among the groups gnomAD compares: South Asian, 0.089%; 1 homozygote.

Submissions (4):

Labcorp Genetics (formerly Invitae), Labcorp
Classification: Benign for Idiopathic generalized epilepsy; Hyperaldosteronism, familial, type IV. Last evaluated: 2025-12-13. Review status: criteria provided, single submitter. Criteria: Invitae Variant Classification Sherloc (09022015). Collection method: clinical testing. Allele origin: germline.

Blueprint Genetics
Classification: Likely benign. Last evaluated: 2023-07-10. Review status: criteria provided, single submitter. Criteria: ACMG Guidelines, 2015. Collection method: clinical testing. Allele origin: germline.

Fulgent Genetics
Classification: Likely benign for Epilepsy, childhood absence, susceptibility to, 6; Hyperaldosteronism, familial, type IV. Last evaluated: 2021-08-12. Review status: criteria provided, single submitter. Criteria: ACMG Guidelines, 2015. Collection method: clinical testing. Allele origin: unknown.

PreventionGenetics, part of Exact Sciences
Classification: Likely benign for CACNA1H-related condition. Last evaluated: 2019-09-10. Review status: no assertion criteria provided. Collection method: clinical testing. Allele origin: germline. Not counted in ClinVar's aggregate classification.
Comment: This variant is classified as likely benign based on ACMG/AMP sequence variant interpretation guidelines (Richards et al. 2015 PMID: 25741868, with internal and published modifications).

NM_021098.3(CACNA1H):c.3744+9G>A

Gene: CACNA1H (calcium voltage-gated channel subunit alpha1 H; plus strand). Cytogenetic location: 16p13.3.
Variant type: single nucleotide variant.
Coding change: c.3744+9G>A on transcript NM_021098.3 (MANE Select); 9 bases into the intron after coding-DNA position 3744, G replaced by A.
Molecular consequence: intron variant.
Genome position (GRCh38, 1-based): chr16:1,209,421, G>A. VCF-style: chr16-1209421-G-A. GRCh37 (hg19) VCF-style: chr16-1259421-G-A.
Other names: c.3744+9G>A (NM_001005407.2, NM_021098.2).
Identifiers: ClinVar variation 1164502 (VCV001164502.13), dbSNP rs377367672, ClinGen allele CA7800883.